The following is an entry in ClinVar:

NM_001145026.2(PTPRQ):c.2445A>G (p.Gln815=)

Gene: PTPRQ (protein tyrosine phosphatase receptor type Q; plus strand). Cytogenetic location: 12q21.31.
Variant type: single nucleotide variant.
Coding change: c.2445A>G on transcript NM_001145026.2 (MANE Select); coding-DNA position 2445, A replaced by G.
Protein change: p.Gln815=; no amino-acid change (glutamine 815 retained).
Molecular consequence: synonymous variant.
Genome position (GRCh38, 1-based): chr12:80,506,196, A>G. VCF-style: chr12-80506196-A-G. GRCh37 (hg19) VCF-style: chr12-80899975-A-G.
Identifiers: ClinVar variation 1214124 (VCV001214124.26), dbSNP rs780815237, ClinGen allele CA6702542.

ClinVar aggregate classification (germline): Likely benign. Review status: criteria provided, multiple submitters, no conflicts (2 of 4 stars). 3 submissions from 3 submitters: Likely benign (3). Last evaluated 2026-05-04.

Conditions:
PTPRQ-related disorder. Also called: PTPRQ-related condition.

Allele frequency attached by ClinVar (database versions not stated): ExAC 0.00011; gnomAD exomes 0.00011 and 0.00017; gnomAD 0.00015; TOPMed 0.00016.
gnomAD v4.1: 257 of 1,484,026 alleles (0.017%); highest among the groups gnomAD compares: Middle Eastern, 0.42%; no homozygotes.

Submissions (3):

PreventionGenetics, part of Exact Sciences
Classification: Likely benign for PTPRQ-related condition. Last evaluated: 2026-05-04. Review status: criteria provided, single submitter. Criteria: ACMG Guidelines, 2015. Collection method: clinical testing. Allele origin: germline.
Comment: This variant is classified as likely benign based on ACMG/AMP sequence variant interpretation guidelines (Richards et al. 2015 PMID: 25741868, with internal and published modifications).

CeGaT Center for Human Genetics Tuebingen
Classification: Likely benign. Last evaluated: 2026-03-01. Review status: criteria provided, single submitter. Criteria: CeGaT Center For Human Genetics Tuebingen Variant Classification Criteria Version 2. Collection method: clinical testing. Allele origin: germline. Affected: yes. Observed: 2 variant alleles.
Comment: PTPRQ: BP4, BP7

GeneDx
Classification: Likely benign. Last evaluated: 2021-03-02. Review status: criteria provided, single submitter. Criteria: GeneDx Variant Classification Process June 2021. Collection method: clinical testing. Allele origin: germline. Affected: yes.